The following is an entry in ClinVar:

ClinVar aggregate classification (germline): Uncertain significance. Review status: criteria provided, multiple submitters, no conflicts (2 of 4 stars). 3 submissions from 3 submitters: Uncertain significance (3). Last evaluated 2025-09-04.

Conditions:
Inborn genetic diseases. Identifiers: MedGen C0950123, MeSH D030342.

Allele frequency attached by ClinVar (database versions not stated): gnomAD exomes 0.00008 and 0.00017; gnomAD 0.00009 and 0.00010; TOPMed 0.00011.
gnomAD v4.1: 254 of 1,547,222 alleles (0.016%); highest among the groups gnomAD compares: Non-Finnish European, 0.021%; 1 homozygote.

Submissions (3):

Women's Health and Genetics/Laboratory Corporation of America, LabCorp
Classification: Uncertain significance. Last evaluated: 2025-09-04. Review status: criteria provided, single submitter. Criteria: LabCorp Variant Classification Summary - May 2015. Collection method: clinical testing. Allele origin: germline.
Comment: Variant summary: UNC80 c.6523G>A (p.Gly2175Ser) results in a non-conservative amino acid change in the encoded protein sequence. Algorithms developed to predict the effect of missense changes on protein structure and function are either unavailable or do not agree on the potential impact of this missense change. The variant allele was found at a frequency of 8.3e-05 in 156150 control chromosomes. This frequency is not significantly higher than estimated for disease-causing variants in UNC80, allowing no conclusion about variant significance. To our knowledge, no occurrence of c.6523G>A in individuals affected with UNC80-related conditions and no experimental evidence demonstrating its impact on protein function have been reported. ClinVar contains an entry for this variant (Variation ID: 1359941). Based on the evidence outlined above, the variant was classified as uncertain significance.

Ambry Genetics
Classification: Uncertain significance for Inborn genetic diseases. Last evaluated: 2025-02-06. Review status: criteria provided, single submitter. Criteria: Ambry Variant Classification Scheme 2023. Collection method: clinical testing. Allele origin: germline.

Labcorp Genetics (formerly Invitae), Labcorp
Classification: Uncertain significance. Last evaluated: 2022-10-04. Review status: criteria provided, single submitter. Criteria: Invitae Variant Classification Sherloc (09022015). Collection method: clinical testing. Allele origin: germline.
Comment: This sequence change replaces glycine, which is neutral and non-polar, with serine, which is neutral and polar, at codon 2175 of the UNC80 protein (p.Gly2175Ser). This variant is present in population databases (rs764166622, gnomAD 0.03%). This variant has not been reported in the literature in individuals affected with UNC80-related conditions. ClinVar contains an entry for this variant (Variation ID: 1359941). Advanced modeling of protein sequence and biophysical properties (such as structural, functional, and spatial information, amino acid conservation, physicochemical variation, residue mobility, and thermodynamic stability) performed at Invitae indicates that this missense variant is not expected to disrupt UNC80 protein function. In summary, the available evidence is currently insufficient to determine the role of this variant in disease. Therefore, it has been classified as a Variant of Uncertain Significance.

NM_001371986.1(UNC80):c.6721G>A (p.Gly2241Ser)

Gene: UNC80 (unc-80 subunit of NALCN channel complex; plus strand). Cytogenetic location: 2q34.
Variant type: single nucleotide variant.
Coding change: c.6721G>A on transcript NM_001371986.1 (MANE Select); coding-DNA position 6721, G replaced by A.
Protein change: p.Gly2241Ser; replaces glycine 2241 with serine.
Molecular consequence: missense variant.
Genome position (GRCh38, 1-based): chr2:209,941,295, G>A. VCF-style: chr2-209941295-G-A. GRCh37 (hg19) VCF-style: chr2-210806019-G-A.
Other names: c.6523G>A (NM_032504.1); c.6523G>A, p.Gly2175Ser (NM_032504.2); c.6508G>A, p.Gly2170Ser (NM_182587.4); short protein forms G2241S, G2170S, G2175S.
Identifiers: ClinVar variation 1359941 (VCV001359941.8), dbSNP rs764166622, ClinGen allele CA65042624.